The following is an entry in ClinVar:

ClinVar aggregate classification (germline): Uncertain significance (1 of 4 stars; one submission).

Conditions:
Cardiovascular phenotype. Identifiers: MedGen CN230736.

Submission:

Ambry Genetics
Classification: Uncertain significance for Cardiovascular phenotype. Last evaluated: 2023-02-08. Review status: criteria provided, single submitter. Criteria: Ambry Variant Classification Scheme 2023. Collection method: clinical testing. Allele origin: germline.
Comment: The p.A544T variant (also known as c.1630G>A), located in coding exon 12 of the TRPM4 gene, results from a G to A substitution at nucleotide position 1630. The alanine at codon 544 is replaced by threonine, an amino acid with similar properties. This amino acid position is conserved. In addition, this alteration is predicted to be tolerated by in silico analysis. Since supporting evidence is limited at this time, the clinical significance of this alteration remains unclear.

NM_017636.4(TRPM4):c.1630G>A (p.Ala544Thr)

Gene: TRPM4 (transient receptor potential cation channel subfamily M member 4; plus strand). Cytogenetic location: 19q13.33.
Variant type: single nucleotide variant.
Coding change: c.1630G>A on transcript NM_017636.4 (MANE Select); coding-DNA position 1630, G replaced by A.
Protein change: p.Ala544Thr; replaces alanine 544 with threonine.
Molecular consequence: missense variant.
Genome position (GRCh38, 1-based): chr19:49,183,099, G>A. VCF-style: chr19-49183099-G-A. GRCh37 (hg19) VCF-style: chr19-49686356-G-A.
Other names: c.1630G>A, p.Ala544Thr (NM_001195227.2); c.1285G>A, p.Ala429Thr (NM_001321281.2); c.22G>A, p.Ala8Thr (NM_001321282.2); c.1108G>A, p.Ala370Thr (NM_001321283.2); c.568G>A, p.Ala190Thr (NM_001321285.2); short protein forms A190T, A370T, A429T, A544T, A8T.
Identifiers: ClinVar variation 3227001 (VCV003227001.1), dbSNP rs2514119176, ClinGen allele CA406800300.